The following is an entry in ClinVar:

NM_000390.4(CHM):c.1066A>T (p.Lys356Ter)

Gene: CHM (CHM Rab escort protein; minus strand). Cytogenetic location: Xq21.2.
Variant type: single nucleotide variant.
Coding change: c.1066A>T on transcript NM_000390.4 (MANE Select); coding-DNA position 1066, A replaced by T.
Protein change: p.Lys356Ter; replaces lysine 356 with a stop codon.
Molecular consequence: nonsense.
Genome position (GRCh38, 1-based): chrX:85,956,253, T>A on the plus strand (A>T on the coding strand, the complement: CHM is on the minus strand). VCF-style: chrX-85956253-T-A. GRCh37 (hg19) VCF-style: chrX-85211258-T-A.
Other names: c.622A>T, p.Lys208Ter (NM_001320959.1, NM_001362517.1, NM_001362518.2 and 1 more transcripts); short protein forms K208*, K356*.
Identifiers: ClinVar variation 1213974 (VCV001213974.7), dbSNP rs2147663153, ClinGen allele CA413785111.

ClinVar aggregate classification (germline): Pathogenic. Review status: criteria provided, multiple submitters, no conflicts (2 of 4 stars). 2 submissions from 2 submitters: Pathogenic (2). Last evaluated 2022-03-04.

Conditions:
Choroideremia. Also called: Chorioretinal scalloped atrophy. Identifiers: Orphanet 180, MedGen C0008525, MONDO:0010557, OMIM 303100, HP:0001139.

Submissions (2):

Labcorp Genetics (formerly Invitae), Labcorp
Classification: Pathogenic. Last evaluated: 2022-03-04. Review status: criteria provided, single submitter. Criteria: Invitae Variant Classification Sherloc (09022015). Collection method: clinical testing. Allele origin: germline.
Comment: For these reasons, this variant has been classified as Pathogenic. ClinVar contains an entry for this variant (Variation ID: 1213974). This sequence change creates a premature translational stop signal (p.Lys356*) in the CHM gene. It is expected to result in an absent or disrupted protein product. Loss-of-function variants in CHM are known to be pathogenic (PMID: 9067750, 23811034). This variant is not present in population databases (gnomAD no frequency). This variant has not been reported in the literature in individuals affected with CHM-related conditions.

DBGen Ocular Genomics
Classification: Pathogenic for Choroideremia. Last evaluated: 2021-06-02. Review status: criteria provided, single submitter. Criteria: ACMG Guidelines, 2015. Collection method: clinical testing. Allele origin: germline. Affected: yes. Observed: 1 variant allele.

Literature cited by the submitters: PubMed 9067750 (cited by Labcorp Genetics (formerly Invitae), Labcorp); PubMed 23811034 (cited by Labcorp Genetics (formerly Invitae), Labcorp).